The following is an entry in ClinVar:

ClinVar aggregate classification (germline): Likely benign. Review status: criteria provided, single submitter (1 of 4 stars). 2 submissions from 2 submitters: Likely benign (1). 1 of the submissions does not count toward it. Last evaluated 2025-10-23.

Conditions:
SIN3A-related disorder. Also called: SIN3A-related condition.

Allele frequency attached by ClinVar (database versions not stated): ESP Exome Variant Server 0.00008; ExAC 0.00001; gnomAD 0.00002; TOPMed 0.00001.

Submissions (2):

Labcorp Genetics (formerly Invitae), Labcorp
Classification: Likely benign. Last evaluated: 2025-10-23. Review status: criteria provided, single submitter. Criteria: Invitae Variant Classification Sherloc (09022015). Collection method: clinical testing. Allele origin: germline.

PreventionGenetics, part of Exact Sciences
Classification: Likely benign for SIN3A-related condition. Last evaluated: 2019-05-23. Review status: no assertion criteria provided. Collection method: clinical testing. Allele origin: germline. Not counted in ClinVar's aggregate classification.
Comment: This variant is classified as likely benign based on ACMG/AMP sequence variant interpretation guidelines (Richards et al. 2015 PMID: 25741868, with internal and published modifications).

NM_001145358.2(SIN3A):c.222T>C (p.His74=)

Gene: SIN3A (SIN3 transcription regulator family member A; minus strand). Cytogenetic location: 15q24.2.
Variant type: single nucleotide variant.
Coding change: c.222T>C on transcript NM_001145358.2 (MANE Select); coding-DNA position 222, T replaced by C.
Protein change: p.His74=; no amino-acid change (histidine 74 retained).
Molecular consequence: synonymous variant.
Genome position (GRCh38, 1-based): chr15:75,422,791, A>G on the plus strand (T>C on the coding strand, the complement: SIN3A is on the minus strand). VCF-style: chr15-75422791-A-G. GRCh37 (hg19) VCF-style: chr15-75715132-A-G.
Other names: c.222T>C, p.His74= (NM_001145357.2, NM_015477.3).
Identifiers: ClinVar variation 3039478 (VCV003039478.4), dbSNP rs369674785, ClinGen allele CA7667942.